The following is an entry in ClinVar:

ClinVar aggregate classification (germline): Likely benign. Review status: criteria provided, multiple submitters, no conflicts (2 of 4 stars). 3 submissions from 3 submitters: Likely benign (3). Last evaluated 2022-11-20.

Conditions:
Autosomal dominant Parkinson disease 8. Also called: LRRK2-Related Parkinson Disease; Parkinson disease 8; Parkinson disease 8, susceptibility to. Identifiers: Orphanet 411602, MedGen C1846862, MONDO:0011764, OMIM 607060.
Inborn genetic diseases. Identifiers: MedGen C0950123, MeSH D030342.

Allele frequency attached by ClinVar (database versions not stated): TOPMed 0.00001; gnomAD exomes 0.00005; ExAC 0.00007.
gnomAD v4.1: 53 of 1,613,418 alleles (0.0033%); highest among the groups gnomAD compares: South Asian, 0.058%; 1 homozygote.

Submissions (3):

Ambry Genetics
Classification: Likely benign for Inborn genetic diseases. Last evaluated: 2022-11-20. Review status: criteria provided, single submitter. Criteria: Ambry Variant Classification Scheme 2023. Collection method: clinical testing. Allele origin: germline.

Illumina Laboratory Services, Illumina
Classification: Likely benign for Autosomal dominant Parkinson disease 8. Last evaluated: 2018-01-13. Review status: criteria provided, single submitter. Criteria: ICSL Variant Classification Criteria 13 December 2019. Collection method: clinical testing. Allele origin: germline.
Comment: This variant was observed in the ICSL laboratory as part of a predisposition screen in an ostensibly healthy population. It had not been previously curated by ICSL or reported in the Human Gene Mutation Database (HGMD: prior to June 1st, 2018), and was therefore a candidate for classification through an automated scoring system. Utilizing variant allele frequency, disease prevalence and penetrance estimates, and inheritance mode, an automated score was calculated to assess if this variant is too frequent to cause the disease. Based on the score and internal cut-off values, a variant classified as likely benign is not then subjected to further curation. The score for this variant resulted in a classification of likely benign for this disease.

Labcorp Genetics (formerly Invitae), Labcorp
Classification: Likely benign. Last evaluated: 2017-12-29. Review status: criteria provided, single submitter. Criteria: Invitae Variant Classification Sherloc (09022015). Collection method: clinical testing. Allele origin: germline.

NM_198578.4(LRRK2):c.1476A>G (p.Lys492=)

Gene: LRRK2 (leucine rich repeat kinase 2; plus strand). Cytogenetic location: 12q12.
Variant type: single nucleotide variant.
Coding change: c.1476A>G on transcript NM_198578.4 (MANE Select); coding-DNA position 1476, A replaced by G.
Protein change: p.Lys492=; no amino-acid change (lysine 492 retained).
Molecular consequence: synonymous variant.
Genome position (GRCh38, 1-based): chr12:40,259,537, A>G. VCF-style: chr12-40259537-A-G. GRCh37 (hg19) VCF-style: chr12-40653339-A-G.
Identifiers: ClinVar variation 722201 (VCV000722201.9), dbSNP rs748115010, ClinGen allele CA6513379.